The following is an entry in ClinVar:

NM_152743.4(BRAT1):c.1706T>C (p.Met569Thr)

Gene: BRAT1 (BRCA1 associated ATM activator 1; minus strand). Cytogenetic location: 7p22.3.
Variant type: single nucleotide variant.
Coding change: c.1706T>C on transcript NM_152743.4 (MANE Select); coding-DNA position 1706, T replaced by C.
Protein change: p.Met569Thr; replaces methionine 569 with threonine.
Molecular consequence: missense variant. On other transcripts: non-coding transcript variant (1).
Genome position (GRCh38, 1-based): chr7:2,539,243, A>G on the plus strand (T>C on the coding strand, the complement: BRAT1 is on the minus strand). VCF-style: chr7-2539243-A-G. GRCh37 (hg19) VCF-style: chr7-2578877-A-G.
Other names: c.1706T>C, p.Met569Thr (NM_001350626.2); c.1181T>C, p.Met394Thr (NM_001350627.2); short protein forms M394T, M569T.
Identifiers: ClinVar variation 1916557 (VCV001916557.2), dbSNP rs917606713, ClinGen allele CA152665767.
Genomic context (GRCh38, chr7:2,539,243, plus strand): 5'-CGGGCCTCTGCATGCTCAGGGCTGGTGGGGGCGTGCAGGCCCTGGCTGGACAGCTGCCCC[A>G]TGGCGGTCACTGCACTCGCTCGGACATAACTCTCAGGGTCCTGGAGGAGCTGCAGGGCCA-3'
Protein context (NP_689956.2, residues 559-579): SYVRASAVTA[Met569Thr]GQLSSQGLHA

ClinVar aggregate classification (germline): Uncertain significance (1 of 4 stars; one submission).

Conditions:
Neonatal-onset encephalopathy with rigidity and seizures. Also called: Lethal neonatal spasticity-epileptic encephalopathy syndrome. Identifiers: Orphanet 435845, MedGen C3281029, MONDO:0013784, OMIM 614498.

Allele frequency attached by ClinVar (database versions not stated): gnomAD exomes below 0.00001.

Submission:

Labcorp Genetics (formerly Invitae), Labcorp
Classification: Uncertain significance for Neonatal-onset encephalopathy with rigidity and seizures. Last evaluated: 2022-02-24. Review status: criteria provided, single submitter. Criteria: Invitae Variant Classification Sherloc (09022015). Collection method: clinical testing. Allele origin: germline.
Comment: This sequence change replaces methionine, which is neutral and non-polar, with threonine, which is neutral and polar, at codon 569 of the BRAT1 protein (p.Met569Thr). This variant is not present in population databases (gnomAD no frequency). This variant has not been reported in the literature in individuals affected with BRAT1-related conditions. Algorithms developed to predict the effect of missense changes on protein structure and function output the following: SIFT: "Deleterious"; PolyPhen-2: "Benign"; Align-GVGD: "Class C0". The threonine amino acid residue is found in multiple mammalian species, which suggests that this missense change does not adversely affect protein function. In summary, the available evidence is currently insufficient to determine the role of this variant in disease. Therefore, it has been classified as a Variant of Uncertain Significance.